The following is an entry in ClinVar:

NM_001510.4(GRID2):c.1803G>A (p.Thr601=)

Gene: GRID2 (glutamate ionotropic receptor delta type subunit 2; plus strand). Cytogenetic location: 4q22.2.
Variant type: single nucleotide variant.
Coding change: c.1803G>A on transcript NM_001510.4 (MANE Select); coding-DNA position 1803, G replaced by A.
Protein change: p.Thr601=; no amino-acid change (threonine 601 retained).
Molecular consequence: synonymous variant.
Genome position (GRCh38, 1-based): chr4:93,455,919, G>A. VCF-style: chr4-93455919-G-A. GRCh37 (hg19) VCF-style: chr4-94377070-G-A.
Other names: c.1518G>A, p.Thr506= (NM_001286838.1).
Identifiers: ClinVar variation 734991 (VCV000734991.10), dbSNP rs148186798, ClinGen allele CA3012377.

ClinVar aggregate classification (germline): Likely benign. Review status: criteria provided, multiple submitters, no conflicts (2 of 4 stars). 3 submissions from 3 submitters: Likely benign (3). Last evaluated 2026-05-01.

Allele frequency attached by ClinVar (database versions not stated): TOPMed 0.00022; ESP Exome Variant Server 0.00031; gnomAD 0.00035.
gnomAD v4.1: 307 of 1,611,120 alleles (0.019%); highest among the groups gnomAD compares: East Asian, 0.058%; no homozygotes.

Submissions (3):

CeGaT Center for Human Genetics Tuebingen
Classification: Likely benign. Last evaluated: 2026-05-01. Review status: criteria provided, single submitter. Criteria: CeGaT Center For Human Genetics Tuebingen Variant Classification Criteria Version 2. Collection method: clinical testing. Allele origin: germline. Affected: yes. Observed: 1 variant allele.
Comment: GRID2: BP4, BP7

Labcorp Genetics (formerly Invitae), Labcorp
Classification: Likely benign. Last evaluated: 2025-08-11. Review status: criteria provided, single submitter. Criteria: Invitae Variant Classification Sherloc (09022015). Collection method: clinical testing. Allele origin: germline.

Blueprint Genetics
Classification: Likely benign. Last evaluated: 2024-11-23. Review status: criteria provided, single submitter. Criteria: ACMG Guidelines, 2015. Collection method: clinical testing. Allele origin: germline.